The following is an entry in ClinVar:

ClinVar aggregate classification (germline): Benign. Review status: criteria provided, multiple submitters, no conflicts (2 of 4 stars). 8 submissions from 8 submitters: Benign (8). Last evaluated 2026-02-04.

Conditions:
Hyperphosphatasemia with bone disease (PDB5). Also called: PAGET DISEASE OF BONE 5, JUVENILE-ONSET; HYPEROSTOSIS CORTICALIS DEFORMANS JUVENILIS; HYPERPHOSPHATASEMIA, CHRONIC CONGENITAL IDIOPATHIC; HYPERPHOSPHATASIA, FAMILIAL IDIOPATHIC; Paget disease of bone 5; Osteoectasia familial. Identifiers: Orphanet 2801, MedGen C0268414, MONDO:0009394, OMIM 239000.

Allele frequency attached by ClinVar (database versions not stated): gnomAD exomes 0.52219; ESP Exome Variant Server 0.58892; gnomAD 0.59968 and 0.60108; ExAC 0.60241; TOPMed 0.61005; 1000 Genomes Project 0.66673; 1000 Genomes Project 30x 0.66943.
gnomAD v4.1: 786,684 of 1,590,136 alleles (49%); highest among the groups gnomAD compares: African/African-American, 87%; 203,467 homozygotes.

Submissions (8):

Labcorp Genetics (formerly Invitae), Labcorp
Classification: Benign. Last evaluated: 2026-02-04. Review status: criteria provided, single submitter. Criteria: Invitae Variant Classification Sherloc (09022015). Collection method: clinical testing. Allele origin: germline.

Blueprint Genetics
Classification: Benign. Last evaluated: 2024-11-27. Review status: criteria provided, single submitter. Criteria: ACMG Guidelines, 2015. Collection method: clinical testing. Allele origin: germline.

Genome-Nilou Lab
Classification: Benign for Hyperphosphatasemia with bone disease. Last evaluated: 2021-09-10. Review status: criteria provided, single submitter. Criteria: ACMG Guidelines, 2015. Collection method: clinical testing. Allele origin: germline. Affected: no.

GeneDx
Classification: Benign. Last evaluated: 2021-06-09. Review status: criteria provided, single submitter. Criteria: GeneDx Variant Classification Process June 2021. Collection method: clinical testing. Allele origin: germline. Affected: yes.
Comment: This variant is associated with the following publications: (PMID: 28728263, 25679449, 12096838, 18938269, 20205168, 15312251, 19131500, 19128145, 22965192, 19705167)

Illumina Laboratory Services, Illumina
Classification: Benign for Hyperphosphatasemia with bone disease. Last evaluated: 2018-03-06. Review status: criteria provided, single submitter. Criteria: ICSL Variant Classification Criteria 13 December 2019. Collection method: clinical testing. Allele origin: germline.
Comment: This variant was observed in the ICSL laboratory as part of a predisposition screen in an ostensibly healthy population. It had not been previously curated by ICSL or reported in the Human Gene Mutation Database (HGMD: prior to June 1st, 2018), and was therefore a candidate for classification through an automated scoring system. Utilizing variant allele frequency, disease prevalence and penetrance estimates, and inheritance mode, an automated score was calculated to assess if this variant is too frequent to cause the disease. Based on the score and internal cut-off values, a variant classified as benign is not then subjected to further curation. The score for this variant resulted in a classification of benign for this disease.

Eurofins Ntd Llc (ga)
Classification: Benign. Last evaluated: 2017-06-28. Review status: criteria provided, single submitter. Criteria: EGL Classification Definitions 2015. Collection method: clinical testing. Allele origin: germline. Observed: 1 variant allele, 1 heterozygote.

Breakthrough Genomics
Classification: Benign. Review status: criteria provided, single submitter. Criteria: ACMG Guidelines, 2015. Collection method: not provided. Allele origin: germline. Inheritance: Autosomal recessive inheritance. Affected: yes.

PreventionGenetics, part of Exact Sciences
Classification: Benign. Review status: criteria provided, single submitter. Criteria: ACMG Guidelines, 2015. Collection method: clinical testing. Allele origin: germline.

NM_002546.4(TNFRSF11B):c.9C>G (p.Asn3Lys)

Gene: TNFRSF11B (TNF receptor superfamily member 11b; minus strand). Cytogenetic location: 8q24.12.
Variant type: single nucleotide variant.
Coding change: c.9C>G on transcript NM_002546.4 (MANE Select); coding-DNA position 9, C replaced by G.
Protein change: p.Asn3Lys; replaces asparagine 3 with lysine.
Molecular consequence: missense variant.
Genome position (GRCh38, 1-based): chr8:118,951,813, G>C on the plus strand (C>G on the coding strand, the complement: TNFRSF11B is on the minus strand). VCF-style: chr8-118951813-G-C. GRCh37 (hg19) VCF-style: chr8-119964052-G-C.
Other names: short protein forms N3K.
Identifiers: ClinVar variation 258775 (VCV000258775.24), dbSNP rs2073618, ClinGen allele CA4855017.